The following is an entry in ClinVar:

NM_003900.5(SQSTM1):c.1301C>T (p.Ser434Leu)

Gene: SQSTM1 (sequestosome 1; plus strand). Cytogenetic location: 5q35.3.
Variant type: single nucleotide variant.
Coding change: c.1301C>T on transcript NM_003900.5 (MANE Select); coding-DNA position 1301, C replaced by T.
Protein change: p.Ser434Leu; replaces serine 434 with leucine.
Molecular consequence: missense variant.
Genome position (GRCh38, 1-based): chr5:179,836,571, C>T. VCF-style: chr5-179836571-C-T. GRCh37 (hg19) VCF-style: chr5-179263571-C-T.
Other names: c.1049C>T, p.Ser350Leu (NM_001142298.2, NM_001142299.2); short protein forms S350L, S434L.
Identifiers: ClinVar variation 3762870 (VCV003762870.2).
Genomic context (GRCh38, chr5:179,836,571, plus strand): 5'-CCAGGCTCCTGCAGACCAAGAACTATGACATCGGAGCGGCTCTGGACACCATCCAGTATT[C>T]AAAGCATCCCCCGCCGTTGTGACCACTTTTGCCCACCTCTTCTGCGTGCCCCTCTTCTGT-3'
Protein context (NP_003891.1, residues 424-440): IGAALDTIQY[Ser434Leu]KHPPPL

ClinVar aggregate classification (germline): Uncertain significance (1 of 4 stars; one submission).

Conditions:
Frontotemporal dementia and/or amyotrophic lateral sclerosis 1 (FTDALS1). Also called: Frontotemporal dementia with motor neuron disease 1; C9orf72 Frontotemporal Dementia and/or Amyotrophic Lateral Sclerosis. Identifiers: Orphanet 275872, MedGen C5779877, MONDO:0007105, OMIM 105550.
Paget disease of bone 2, early-onset (PDB2). Also called: Paget disease of bone 2. Identifiers: MedGen C4085251, MONDO:0011183, OMIM 602080.

gnomAD v4.1: 1 of 1,614,058 alleles (0.000062%); highest among the groups gnomAD compares: African/African-American, 0.0013%; no homozygotes.

Submission:

Labcorp Genetics (formerly Invitae), Labcorp
Classification: Uncertain significance for Paget disease of bone 2, early-onset; Frontotemporal dementia and/or amyotrophic lateral sclerosis 1. Last evaluated: 2024-06-01. Review status: criteria provided, single submitter. Criteria: Invitae Variant Classification Sherloc (09022015). Collection method: clinical testing. Allele origin: germline.
Comment: This sequence change replaces serine, which is neutral and polar, with leucine, which is neutral and non-polar, at codon 434 of the SQSTM1 protein (p.Ser434Leu). This variant is not present in population databases (gnomAD no frequency). This variant has not been reported in the literature in individuals affected with SQSTM1-related conditions. Advanced modeling of protein sequence and biophysical properties (such as structural, functional, and spatial information, amino acid conservation, physicochemical variation, residue mobility, and thermodynamic stability) performed at Invitae indicates that this missense variant is expected to disrupt SQSTM1 protein function with a positive predictive value of 80%. In summary, the available evidence is currently insufficient to determine the role of this variant in disease. Therefore, it has been classified as a Variant of Uncertain Significance.